The following is an entry in ClinVar:

ClinVar aggregate classification (germline): Likely pathogenic. Review status: criteria provided, multiple submitters, no conflicts (2 of 4 stars). 4 submissions from 3 submitters: Likely pathogenic (3). 1 of the submissions does not count toward it. Last evaluated 2024-12-18.

Conditions:
GRACILE syndrome (FLNMS). Also called: FELLMAN SYNDROME; FINNISH LETHAL NEONATAL METABOLIC SYNDROME. Identifiers: Orphanet 53693, MedGen C1864002, MONDO:0011308, OMIM 603358.
Mitochondrial complex III deficiency nuclear type 1. Identifiers: Orphanet 254902, MedGen C3541471, MONDO:0007415, OMIM 124000.

Allele frequency attached by ClinVar (database versions not stated): gnomAD exomes below 0.00001.
gnomAD v4.1: 3 of 1,614,188 alleles (0.00019%); highest among the groups gnomAD compares: Non-Finnish European, 0.00025%; no homozygotes.

Submissions (4):

Genomic Medicine Center of Excellence, King Faisal Specialist Hospital and Research Centre
Classification: Likely pathogenic for Mitochondrial complex III deficiency nuclear type 1. Last evaluated: 2024-12-18. Review status: criteria provided, single submitter. Criteria: ACMG Guidelines, 2015. Collection method: clinical testing. Allele origin: germline.

3billion
Classification: Likely pathogenic for Mitochondrial complex III deficiency nuclear type 1. Last evaluated: 2024-08-23. Review status: criteria provided, single submitter. Criteria: ACMG Guidelines, 2015. Collection method: clinical testing. Allele origin: germline. Affected: yes.
Comment: The variant is observed at an extremely low frequency in the gnomAD v4.0.0 dataset (total allele frequency: <0.001%). Predicted Consequence/Location: Synonymous variant In silico tools predict the variant to alter splicing and produce an abnormal transcript [SpliceAI: 0.35 (spliceogenicity >=0.2, non-spliceogenicity <0.1)]. The variant has been reported to be associated with BCS1L related disorder (ClinVar ID: VCV001252010 /PMID: 32552793). However, the evidence of pathogenicity is insufficient at this time. Therefore, this variant is classified as Likely pathogenic according to the recommendation of ACMG/AMP guideline.

Women's Health and Genetics/Laboratory Corporation of America, LabCorp
Classification: Likely pathogenic for GRACILE syndrome. Last evaluated: 2024-08-08. Review status: criteria provided, single submitter. Criteria: LabCorp Variant Classification Summary - May 2015. Collection method: clinical testing. Allele origin: germline.
Comment: Variant summary: BCS1L c.441C>T alters a conserved nucleotide resulting in a synonymous change. Several computational tools predict a significant impact on normal splicing: Two predict the variant no significant impact on splicing. One predict the variant weakens a 5' donor site. Two predict the variant strengthens a cryptic 5' donor site. At least one publication reports experimental evidence that this variant affects mRNA splicing (Shamseldin_2021). The variant was absent in 251444 control chromosomes. c.441C>T has been reported in the literature in individuals affected with GRACILE Syndrome (Shamseldin_2021, Maddirevula_2020). These data indicate that the variant is likely to be associated with disease. The following publications have been ascertained in the context of this evaluation (PMID: 32552793, 34645488). ClinVar contains an entry for this variant (Variation ID: 1252010). Based on the evidence outlined above, the variant was classified as likely pathogenic.

Genomic Medicine Center of Excellence, King Faisal Specialist Hospital and Research Centre
Classification: Pathogenic for GRACILE syndrome. Last evaluated: 2021-04-29. Review status: no assertion criteria provided. Collection method: research. Allele origin: germline. Affected: yes. Not counted in ClinVar's aggregate classification.

Literature cited by the submitters: PubMed 32552793 (cited by 3billion and Women's Health and Genetics/Laboratory Corporation of America, LabCorp); PubMed 34645488 (cited by Women's Health and Genetics/Laboratory Corporation of America, LabCorp).

NM_001079866.2(BCS1L):c.441C>T (p.Phe147=)

Gene: BCS1L (BCS1 ubiquinol-cytochrome c reductase complex chaperone; plus strand). Cytogenetic location: 2q35.
Variant type: single nucleotide variant.
Coding change: c.441C>T on transcript NM_001079866.2 (MANE Select); coding-DNA position 441, C replaced by T.
Protein change: p.Phe147=; no amino-acid change (phenylalanine 147 retained).
Molecular consequence: synonymous variant. On other transcripts: non-coding transcript variant (1), intron variant (6).
Genome position (GRCh38, 1-based): chr2:218,661,526, C>T. VCF-style: chr2-218661526-C-T. GRCh37 (hg19) VCF-style: chr2-219526249-C-T.
Other names: c.441C>T, p.Phe147= (NM_001257342.2, NM_001257343.2, NM_001257344.2 and 10 more transcripts); c.81C>T, p.Phe27= (NM_001318836.2, NM_001371451.1); c.-42+6C>T (NM_001374086.1, NM_001371454.1, NM_001371453.1 and 2 more transcripts); c.-41-233C>T (NM_001371452.1).
Identifiers: ClinVar variation 1252010 (VCV001252010.4), dbSNP rs2106324466, ClinGen allele CA431233320.
Genomic context (GRCh38, chr2:218,661,526, plus strand): 5'-GACGGGGACTCCTTGGGAATCTGTCACCTTCACGGCCCTGGGCACTGACCGAAAGGTTTT[C>T]TTCAACATCCTGGAGGAAGGTGTGGGATGGCACAGGCAGGCTTTCTAGGGACATTGCAGG-3'
Protein context (NP_001073335.1, residues 137-157): FTALGTDRKV[Phe147=]FNILEEAREL